The following is an entry in ClinVar:

ClinVar aggregate classification (germline): Uncertain significance (1 of 4 stars; one submission).

Conditions:
EGFR-related lung cancer (EGFR). Identifiers: MedGen CN130014.

Submission:

Labcorp Genetics (formerly Invitae), Labcorp
Classification: Uncertain significance for EGFR-related lung cancer. Last evaluated: 2020-09-02. Review status: criteria provided, single submitter. Criteria: Invitae Variant Classification Sherloc (09022015). Collection method: clinical testing. Allele origin: germline.
Comment: In summary, the available evidence is currently insufficient to determine the role of this variant in disease. Therefore, it has been classified as a Variant of Uncertain Significance. Algorithms developed to predict the effect of missense changes on protein structure and function are either unavailable or do not agree on the potential impact of this missense change (SIFT: "Tolerated"; PolyPhen-2: "Probably Damaging"; Align-GVGD: "Class C0"). This variant has not been reported in the literature in individuals with EGFR-related conditions. This variant is not present in population databases (ExAC no frequency). This sequence change replaces glutamine with lysine at codon 218 of the EGFR protein (p.Gln218Lys). The glutamine residue is highly conserved and there is a small physicochemical difference between glutamine and lysine.

NM_005228.5(EGFR):c.652C>A (p.Gln218Lys)

Gene: EGFR (epidermal growth factor receptor; plus strand). Cytogenetic location: 7p11.2.
Variant type: single nucleotide variant.
Coding change: c.652C>A on transcript NM_005228.5 (MANE Select); coding-DNA position 652, C replaced by A.
Protein change: p.Gln218Lys; replaces glutamine 218 with lysine.
Molecular consequence: missense variant. On other transcripts: intron variant (1).
Genome position (GRCh38, 1-based): chr7:55,152,569, C>A. VCF-style: chr7-55152569-C-A. GRCh37 (hg19) VCF-style: chr7-55220262-C-A.
Other names: c.517C>A, p.Gln173Lys (NM_001346897.2, NM_001346899.2); c.652C>A, p.Gln218Lys (NM_001346898.2, NM_201282.2, NM_201283.2 and 1 more transcripts); c.493C>A, p.Gln165Lys (NM_001346900.2); c.89-3261C>A (NM_001346941.2); short protein forms Q165K, Q173K, Q218K.
Identifiers: ClinVar variation 1000546 (VCV001000546.8), dbSNP rs1785211485, ClinGen allele CA367577366.